The following is an entry in ClinVar:

NM_004183.4(BEST1):c.1041C>T (p.Tyr347=)

Gene: BEST1 (bestrophin 1; plus strand). Cytogenetic location: 11q12.3.
Variant type: single nucleotide variant.
Coding change: c.1041C>T on transcript NM_004183.4 (MANE Select); coding-DNA position 1041, C replaced by T.
Protein change: p.Tyr347=; no amino-acid change (tyrosine 347 retained).
Molecular consequence: synonymous variant. On other transcripts: missense variant (1), non-coding transcript variant (1).
Genome position (GRCh38, 1-based): chr11:61,959,984, C>T. VCF-style: chr11-61959984-C-T. GRCh37 (hg19) VCF-style: chr11-61727456-C-T.
Other names: c.861C>T, p.Tyr287= (NM_001139443.3, NM_001300787.2); c.780C>T, p.Tyr260= (NM_001300786.2); c.723C>T, p.Tyr241= (NM_001363591.3); c.1244C>T, p.Thr415Ile (NM_001363592.2); c.69C>T, p.Tyr23= (NM_001363593.3); short protein forms T415I.
Identifiers: ClinVar variation 1146854 (VCV001146854.10), dbSNP rs759411214, ClinGen allele CA6040972.

ClinVar aggregate classification (germline): Conflicting classifications of pathogenicity. Review status: criteria provided, conflicting classifications (1 of 4 stars). 2 submissions from 2 submitters: Uncertain significance (1); Likely benign (1). Last evaluated 2026-08-11.

Conditions:
BEST1-related disorder. Also called: BEST1-related condition; BEST1-related disorders. Identifiers: MedGen CN239200.

Allele frequency attached by ClinVar (database versions not stated): gnomAD exomes 0.00001 and 0.00005; gnomAD 0.00002; ExAC 0.00003; TOPMed 0.00003.
gnomAD v4.1: 77 of 1,612,432 alleles (0.0048%); highest among the groups gnomAD compares: Non-Finnish European, 0.0063%; no homozygotes.

Submissions (2):

PreventionGenetics, part of Exact Sciences
Classification: Uncertain significance for BEST1-related condition. Last evaluated: 2026-08-11. Review status: criteria provided, single submitter. Criteria: ACMG Guidelines, 2015. Collection method: clinical testing. Allele origin: germline.
Comment: The BEST1 c.1244C>T variant is predicted to result in the amino acid substitution p.Thr415Ile. To our knowledge, this variant has not been reported in the literature. This variant is present in 0.016% of alleles in individuals of African descent in gnomAD. At this time, the clinical significance of this variant is uncertain due to the absence of conclusive functional and genetic evidence.

Labcorp Genetics (formerly Invitae), Labcorp
Classification: Likely benign. Last evaluated: 2025-08-17. Review status: criteria provided, single submitter. Criteria: Invitae Variant Classification Sherloc (09022015). Collection method: clinical testing. Allele origin: germline.